The following is an entry in ClinVar:

ClinVar aggregate classification (germline): Uncertain significance (1 of 4 stars; one submission).

Conditions:
Insulin-dependent diabetes mellitus secretory diarrhea syndrome (IPEX). Also called: IMMUNODEFICIENCY, POLYENDOCRINOPATHY, AND ENTEROPATHY, X-LINKED; Immunodysregulation, polyendocrinopathy, and enteropathy, X-linked; IPEX and IPEX-Like; DIABETES MELLITUS, CONGENITAL INSULIN-DEPENDENT, WITH FATAL SECRETORY DIARRHEA; DIARRHEA, POLYENDOCRINOPATHY, FATAL INFECTION SYNDROME, X-LINKED; ENTEROPATHY, AUTOIMMUNE, WITH HEMOLYTIC ANEMIA AND POLYENDOCRINOPATHY. Identifiers: Orphanet 37042, MedGen C0342288, MONDO:0010580, OMIM 304790. Disease mechanism: loss of function.

Submission:

Labcorp Genetics (formerly Invitae), Labcorp
Classification: Uncertain significance for Insulin-dependent diabetes mellitus secretory diarrhea syndrome. Last evaluated: 2022-06-14. Review status: criteria provided, single submitter. Criteria: Invitae Variant Classification Sherloc (09022015). Collection method: clinical testing. Allele origin: germline.
Comment: In summary, the available evidence is currently insufficient to determine the role of this variant in disease. Therefore, it has been classified as a Variant of Uncertain Significance. Advanced modeling of protein sequence and biophysical properties (such as structural, functional, and spatial information, amino acid conservation, physicochemical variation, residue mobility, and thermodynamic stability) performed at Invitae indicates that this missense variant is expected to disrupt FOXP3 protein function. This variant has not been reported in the literature in individuals affected with FOXP3-related conditions. This variant is not present in population databases (gnomAD no frequency). This sequence change replaces phenylalanine, which is neutral and non-polar, with leucine, which is neutral and non-polar, at codon 340 of the FOXP3 protein (p.Phe340Leu).

NM_014009.4(FOXP3):c.1020C>G (p.Phe340Leu)

Gene: FOXP3 (forkhead box P3; minus strand). Cytogenetic location: Xp11.23.
Variant type: single nucleotide variant.
Coding change: c.1020C>G on transcript NM_014009.4 (MANE Select); coding-DNA position 1020, C replaced by G.
Protein change: p.Phe340Leu; replaces phenylalanine 340 with leucine.
Molecular consequence: missense variant.
Genome position (GRCh38, 1-based): chrX:49,253,150, G>C on the plus strand (C>G on the coding strand, the complement: FOXP3 is on the minus strand). VCF-style: chrX-49253150-G-C. GRCh37 (hg19) VCF-style: chrX-49109611-G-C.
Other names: c.915C>G, p.Phe305Leu (NM_001114377.2); short protein forms F305L, F340L.
Identifiers: ClinVar variation 2006625 (VCV002006625.4), dbSNP rs2519188434, ClinGen allele CA412950172.